The following is an entry in ClinVar:

NM_002972.4(SBF1):c.1031A>T (p.Glu344Val)

Gene: SBF1 (SET binding factor 1; minus strand). Cytogenetic location: 22q13.33.
Variant type: single nucleotide variant.
Coding change: c.1031A>T on transcript NM_002972.4 (MANE Select); coding-DNA position 1031, A replaced by T.
Protein change: p.Glu344Val; replaces glutamic acid 344 with valine.
Molecular consequence: missense variant.
Genome position (GRCh38, 1-based): chr22:50,465,821, T>A on the plus strand (A>T on the coding strand, the complement: SBF1 is on the minus strand). VCF-style: chr22-50465821-T-A. GRCh37 (hg19) VCF-style: chr22-50904250-T-A.
Other names: c.1034A>T, p.Glu345Val (NM_001365819.1); short protein forms E345V, E344V.
Identifiers: ClinVar variation 1384594 (VCV001384594.8), dbSNP rs368521040, ClinGen allele CA412220388.
Genomic context (GRCh38, chr22:50,465,821, plus strand): 5'-ACCTGCATCTTCAGGGAGGAGGTGGATGTCGTGGGCGGAGGGAAGGCGAGGTCAGCCAAC[T>A]CCAGCTCCGGGTCCAGGACCTGCCAGCACAGAATGGAGCAGGCAGCTGCACGCTGGCCCC-3'
Protein context (NP_002963.2, residues 334-354): VLSMVLDPEL[Glu344Val]LADLAFPPPT

ClinVar aggregate classification (germline): Uncertain significance (1 of 4 stars; one submission).

Submission:

Labcorp Genetics (formerly Invitae), Labcorp
Classification: Uncertain significance. Last evaluated: 2021-04-03. Review status: criteria provided, single submitter. Criteria: Invitae Variant Classification Sherloc (09022015). Collection method: clinical testing. Allele origin: germline.
Comment: This sequence change replaces glutamic acid with valine at codon 344 of the SBF1 protein (p.Glu344Val). The glutamic acid residue is moderately conserved and there is a moderate physicochemical difference between glutamic acid and valine. This variant is not present in population databases (ExAC no frequency). This variant has not been reported in the literature in individuals with SBF1-related conditions. Algorithms developed to predict the effect of missense changes on protein structure and function (SIFT, PolyPhen-2, Align-GVGD) all suggest that this variant is likely to be tolerated, but these predictions have not been confirmed by published functional studies and their clinical significance is uncertain. In summary, the available evidence is currently insufficient to determine the role of this variant in disease. Therefore, it has been classified as a Variant of Uncertain Significance.